The following is an entry in ClinVar:

ClinVar aggregate classification (germline): Likely pathogenic (1 of 4 stars; one submission).

Submission:

Labcorp Genetics (formerly Invitae), Labcorp
Classification: Likely pathogenic. Last evaluated: 2023-02-13. Review status: criteria provided, single submitter. Criteria: Invitae Variant Classification Sherloc (09022015). Collection method: clinical testing. Allele origin: germline.
Comment: This variant has not been reported in the literature in individuals affected with SLC12A6-related conditions. In summary, the currently available evidence indicates that the variant is pathogenic, but additional data are needed to prove that conclusively. Therefore, this variant has been classified as Likely Pathogenic. Algorithms developed to predict the effect of sequence changes on RNA splicing suggest that this variant may disrupt the consensus splice site. This variant is not present in population databases (gnomAD no frequency). This sequence change affects an acceptor splice site in intron 10 of the SLC12A6 gene. It is expected to disrupt RNA splicing. Variants that disrupt the donor or acceptor splice site typically lead to a loss of protein function (PMID: 16199547), and loss-of-function variants in SLC12A6 are known to be pathogenic (PMID: 12368912, 16606917).

Literature cited by the submitters: PubMed 16199547; PubMed 12368912; PubMed 16606917.

NM_001365088.1(SLC12A6):c.1493-1G>A

Gene: SLC12A6 (solute carrier family 12 member 6; minus strand). Cytogenetic location: 15q14.
Variant type: single nucleotide variant.
Coding change: c.1493-1G>A on transcript NM_001365088.1 (MANE Select); the canonical splice acceptor site of the intron before coding-DNA position 1493, G replaced by A.
Molecular consequence: splice acceptor variant.
Genome position (GRCh38, 1-based): chr15:34,250,730, C>T on the plus strand (G>A on the coding strand, the complement: SLC12A6 is on the minus strand). VCF-style: chr15-34250730-C-T. GRCh37 (hg19) VCF-style: chr15-34542931-C-T.
Other names: c.1316-1G>A (NM_001042495.2, NM_001042494.2); c.1466-1G>A (NM_001042496.2); c.1448-1G>A (NM_001042497.2); c.1493-1G>A (NM_133647.2); c.1340-1G>A (NM_005135.2).
Identifiers: ClinVar variation 2836646 (VCV002836646.3), dbSNP rs2509802792, ClinGen allele CA391605994.
Genomic context (GRCh38, chr15:34,250,730, plus strand): 5'-TCGGAATAGACTTCTGAGCATCTTTCAGATCTCCAGATCTGTTTGATCCAGCCATGATAC[C>T]TTTAGAGATAAGGGGGAAAAAACCAAGTTAACTTCTTGGACACTTTGATATTGATACTGA-3'